The following is an entry in ClinVar:

ClinVar aggregate classification (germline): Uncertain significance (1 of 4 stars; one submission).

Conditions:
PHIP-related disorder. Also called: PHIP-related condition; PHIP-related disorders.

gnomAD v4.1: 1 of 1,610,918 alleles (0.000062%); highest among the groups gnomAD compares: Non-Finnish European, 0.000085%; no homozygotes.

Submission:

PreventionGenetics, part of Exact Sciences
Classification: Uncertain significance for PHIP-related condition. Last evaluated: 2025-09-10. Review status: criteria provided, single submitter. Criteria: ACMG Guidelines, 2015. Collection method: clinical testing. Allele origin: germline.
Comment: The PHIP c.2638A>G variant is predicted to result in the amino acid substitution p.Ser880Gly. To our knowledge, this variant has not been reported in the literature. This variant is reported in 0.00090% of alleles in individuals of European (Non-Finnish) descent in gnomAD. At this time, the clinical significance of this variant is uncertain due to the absence of conclusive functional and genetic evidence.

NM_017934.7(PHIP):c.2638A>G (p.Ser880Gly)

Gene: PHIP (PHIP subunit of CUL4-Ring ligase complex; minus strand). Cytogenetic location: 6q14.1.
Variant type: single nucleotide variant.
Coding change: c.2638A>G on transcript NM_017934.7 (MANE Select); coding-DNA position 2638, A replaced by G.
Protein change: p.Ser880Gly; replaces serine 880 with glycine.
Molecular consequence: missense variant.
Genome position (GRCh38, 1-based): chr6:78,983,017, T>C on the plus strand (A>G on the coding strand, the complement: PHIP is on the minus strand). VCF-style: chr6-78983017-T-C. GRCh37 (hg19) VCF-style: chr6-79692734-T-C.
Other names: short protein forms S880G.
Identifiers: ClinVar variation 4996706 (VCV004996706.1).